The following is an entry in ClinVar:

ClinVar aggregate classification (germline): Pathogenic. Review status: reviewed by expert panel (3 of 4 stars). 17 submissions from 17 submitters: Pathogenic (1). 16 of the submissions do not count toward it. Last evaluated 2019-06-18.

Conditions:
BRCA2-related disorder. Also called: BRCA2-related condition; BRCA2-related disorders. Identifiers: MedGen CN239275.
Hereditary cancer-predisposing syndrome. Also called: Tumor predisposition; Neoplastic Syndromes, Hereditary; Hereditary neoplastic syndrome; Hereditary Cancer Syndrome. Identifiers: Orphanet 140162, MedGen C0027672, MeSH D009386, MONDO:0015356.
Hereditary breast ovarian cancer syndrome. Also called: Hereditary breast and ovarian cancer; BRCA1- and BRCA2-Associated Hereditary Breast and Ovarian Cancer; Hereditary breast and/or ovarian cancer syndrome; Hereditary breast and ovarian cancer syndrome; Breast and ovarian cancer; Hereditary breast and ovarian cancer syndrome (HBOC). Identifiers: Orphanet 145, MedGen C0677776, MeSH D061325, MONDO:0003582. Disease mechanism: loss of function.
Breast-ovarian cancer, familial, susceptibility to, 2 (BROVCA2). Also called: BRCA2 Hereditary Breast and Ovarian Cancer. Identifiers: Orphanet 145, MedGen C2675520, MONDO:0012933, OMIM 612555. Disease mechanism: loss of function.

Allele frequency attached by ClinVar (database versions not stated): gnomAD 0.00001; gnomAD exomes 0.00001 and 0.00003; ExAC 0.00003.
gnomAD v4.1: 16 of 1,613,896 alleles (0.00099%); highest among the groups gnomAD compares: Non-Finnish European, 0.000085%; no homozygotes.

Submissions 1 to 10 of 17:

Evidence-based Network for the Interpretation of Germline Mutant Alleles (ENIGMA)
Classification: Pathogenic for Breast-ovarian cancer, familial, susceptibility to, 2. Last evaluated: 2019-06-18. Review status: reviewed by expert panel. Criteria: ENIGMA BRCA1/2 Classification Criteria (2017-06-29). Collection method: curation. Allele origin: germline.
Comment: IARC class based on posterior probability from multifactorial likelihood analysis, thresholds for class as per Plon et al. 2008 (PMID: 18951446). Class 5 based on posterior probability = 0.994466

Labcorp Genetics (formerly Invitae), Labcorp
Classification: Pathogenic for Hereditary breast ovarian cancer syndrome. Last evaluated: 2025-08-13. Review status: criteria provided, single submitter. Criteria: Invitae Variant Classification Sherloc (09022015). Collection method: clinical testing. Allele origin: germline. Not counted in ClinVar's aggregate classification.
Comment: This sequence change affects an acceptor splice site in intron 23 of the BRCA2 gene. It is expected to disrupt RNA splicing. Variants that disrupt the donor or acceptor splice site typically lead to a loss of protein function (PMID: 16199547), and loss-of-function variants in BRCA2 are known to be pathogenic (PMID: 20104584). This variant is present in population databases (rs81002862, gnomAD 0.04%). Disruption of this splice site has been observed in individual(s) with breast cancer and/or ovarian cancer (PMID: 9150152, 29339979, 29446198). It has also been observed to segregate with disease in related individuals. This variant is also known as 9346-2A>G. ClinVar contains an entry for this variant (Variation ID: 52759). Studies have shown that disruption of this splice site alters mRNA splicing and is expected to lead to the loss of protein expression (PMID: 22632462). For these reasons, this variant has been classified as Pathogenic.

GeneDx
Classification: Pathogenic. Last evaluated: 2024-07-25. Review status: criteria provided, single submitter. Criteria: GeneDx Variant Classification Process June 2021. Collection method: clinical testing. Allele origin: germline. Affected: yes. Not counted in ClinVar's aggregate classification.
Comment: Canonical splice site variant demonstrated to result in aberrant splicing leading to a null allele in a gene for which loss of function in a known mechanism of disease (PMID: 12759930, 22632462, 32398771); Truncating variants in this gene are considered pathogenic by a well-established clinical consortium and/or database; Also known as 9346-2A>G; This variant is associated with the following publications: (PMID: 22632462, 18489799, 9585608, 36467798, 36551643, 11251181, 30040829, 11504767, 23348723, 9150152, 20383589, 16211554, 25948282, 26843898, 11250694, 18821011, 11039575, 23893897, 25706666, 15024741, 23199084, 16141195, 26681312, 29446198, 24312913, 29339979, 28166811, 28726806, 30720243, 32853339, 31723001, 31131967, 31341520, 35469032, 31409081, 33461583, 33471991, 15548363, 10995809, 28918466, 30175445, 32398771, 12759930)

Blueprint Genetics
Classification: Pathogenic for BRCA2-related disorders. Last evaluated: 2024-06-10. Review status: criteria provided, single submitter. Criteria: ACMG Guidelines, 2015. Collection method: clinical testing. Allele origin: germline. Affected: yes. Observed: 5 variant alleles. Not counted in ClinVar's aggregate classification.

Ambry Genetics
Classification: Pathogenic for Hereditary cancer-predisposing syndrome. Last evaluated: 2023-10-11. Review status: criteria provided, single submitter. Criteria: Ambry Variant Classification Scheme 2023. Collection method: clinical testing. Allele origin: germline. Not counted in ClinVar's aggregate classification.
Comment: The c.9118-2A>G intronic pathogenic mutation results from an A to G substitution two nucleotides upstream from coding exon 23 in the BRCA2 gene. This alteration has been reported in multiple familial breast/ovarian cancer cohorts, and has been described as a Finnish founder mutation (Loman N et al. J. Natl. Cancer Inst. 2001 Aug;93:1215-23; Heramb C et al. Hered Cancer Clin Pract. 2018 Jan;16:3; Sarantaus L et al. Int. J. Oncol. 2001 Apr;18:831-5; Huusko P et al. Am. J. Hum. Genet. 1998 Jun;62:1544-8; Sarantaus L et al. Eur. J. Hum. Genet. 2000 Oct;8:757-63; Vehmanen P et al. Am. J. Hum. Genet. 1997 May;60:1050-8; Kluska A et al. BMC Med Genomics. 2015 May;8:19). Minigene and RT-PCR functional studies have demonstrated exon skipping (Acedo A et al. Breast Cancer Res. 2012 May;14:R87) and production of an aberrant transcript lacking the first 7 base pairs of exon 24, resulting in a premature stop codon (Claes K et al. Genes Chromosomes Cancer. 2003 Jul;37:314-20), respectively. Of note, this alteration is also designated as 9346-2ntA>G and IVS23-2A>G in the published literature. In addition to the clinical data presented in the literature, alterations that disrupt the canonical splice site are expected to cause aberrant splicing, resulting in an abnormal protein or a transcript that is subject to nonsense-mediated mRNA decay. As such, this alteration is classified as a disease-causing mutation.

Revvity Omics, Revvity
Classification: Pathogenic. Last evaluated: 2022-11-02. Review status: criteria provided, single submitter. Criteria: ACMG Guidelines, 2015. Collection method: clinical testing. Allele origin: germline. Not counted in ClinVar's aggregate classification.

Color Diagnostics, LLC DBA Color Health
Classification: Pathogenic for Hereditary cancer-predisposing syndrome. Last evaluated: 2022-02-10. Review status: criteria provided, single submitter. Criteria: ACMG Guidelines, 2015. Collection method: clinical testing. Allele origin: germline. Not counted in ClinVar's aggregate classification.
Comment: This variant causes an A to G nucleotide substitution at the -2 position of intron 23 of the BRCA2 gene. Functional RNA studies have shown that this variant causes the activation of an out-of-frame cryptic acceptor site, resulting in a premature termination signal and truncated protein (PMID: 12759930, 18489799, 22632462). This variant has been reported in 17 female individuals affected with breast cancer, 8 male individuals affected with breast cancer, 2 individuals affected with ovarian cancer (PMID: 10995809, 11251181, 11504767, 12759930, 15548363, 15642173, 18489799) and has been identified in 21 families among the CIMBA participants (PMID: 29446198). In a large breast cancer case-control study conducted by the BRIDGES consortium, this variant was reported in 6/60466 cases and 0/53461 controls; p-value=0.033; Leiden Open Variation Database DB-ID BRCA2_000410 (PMID: 33471991). This variant is a known founder mutation in the Finnish European population and has been identified in 8/250530 chromosomes in the general population by the Genome Aggregation Database (gnomAD). Loss of BRCA2 function is a known mechanism of disease. Based on the available evidence, this variant is classified as Pathogenic.

Women's Health and Genetics/Laboratory Corporation of America, LabCorp
Classification: Pathogenic for Hereditary breast and ovarian cancer syndrome. Last evaluated: 2020-01-07. Review status: criteria provided, single submitter. Criteria: LabCorp Variant Classification Summary - May 2015. Collection method: clinical testing. Allele origin: germline. Not counted in ClinVar's aggregate classification.
Comment: Variant summary: BRCA2 c.9118-2A>G is located in a canonical splice-site and is predicted to affect mRNA splicing resulting in a significantly altered protein due to either exon skipping, shortening, or inclusion of intronic material. Several computational tools predict a significant impact on normal splicing: Four predict the variant abolishes a 3' acceptor site and creates a 3' acceptor site. Experimental evidence supports that this variant affects mRNA splicing (Machackova_2008, Acedo_2012). The variant allele was found at a frequency of 3.2e-05 in 250530 control chromosomes. c.9118-2A>G has been reported in the literature in multiple individuals affected with Hereditary Breast and Ovarian Cancer (ie Rebbeck_2018). These data indicate that the variant is very likely to be associated with disease. Five clinical diagnostic laboratories have submitted clinical-significance assessments for this variant to ClinVar after 2014 without evidence for independent evaluation. All laboratories classified the variant as pathogenic. Based on the evidence outlined above, the variant was classified as pathogenic.

Consortium of Investigators of Modifiers of BRCA1/2 (CIMBA), c/o University of Cambridge
Classification: Pathogenic for Breast-ovarian cancer, familial, susceptibility to, 2. Last evaluated: 2015-10-02. Review status: criteria provided, single submitter. Criteria: CIMBA Mutation Classification guidelines May 2016. Collection method: clinical testing. Allele origin: germline. Not counted in ClinVar's aggregate classification.

Clinical Genetics DNA and cytogenetics Diagnostics Lab, Erasmus MC, Erasmus Medical Center
Classification: Pathogenic for Breast-ovarian cancer, familial, susceptibility to, 2. Last evaluated: 2015-09-21. Review status: criteria provided, single submitter. Criteria: ACGS Guidelines, 2013. Collection method: clinical testing. Allele origin: germline. Affected: yes. Study: VKGL Data-share Consensus. Not counted in ClinVar's aggregate classification.

NM_000059.4(BRCA2):c.9118-2A>G

Gene: BRCA2 (BRCA2 DNA repair associated; plus strand). Cytogenetic location: 13q13.1.
Variant type: single nucleotide variant.
Coding change: c.9118-2A>G on transcript NM_000059.4 (MANE Select); the canonical splice acceptor site of the intron before coding-DNA position 9118, A replaced by G.
Molecular consequence: splice acceptor variant.
Genome position (GRCh38, 1-based): chr13:32,380,005, A>G. VCF-style: chr13-32380005-A-G. GRCh37 (hg19) VCF-style: chr13-32954142-A-G.
Other names: IVS23-2A>G; IVS23AS, A-G, -2; c.9067-2A>G (NM_001406720.1); c.9022-2A>G (NM_001406719.1); c.4186-2A>G (NM_001406721.1); c.2701-2A>G (NM_001406722.1).
Identifiers: ClinVar variation 52759 (VCV000052759.46), dbSNP rs81002862, ClinGen allele CA025996.